The following is an entry in ClinVar:

ClinVar aggregate classification (germline): Uncertain significance (1 of 4 stars; one submission).

Conditions:
Mowat-Wilson syndrome (MOWS). Also called: Classic Mowat-Wilson Syndrome. Identifiers: Orphanet 2152, MedGen C1856113, MONDO:0009341, OMIM 235730.

Submission:

Labcorp Genetics (formerly Invitae), Labcorp
Classification: Uncertain significance for Mowat-Wilson syndrome. Last evaluated: 2022-11-07. Review status: criteria provided, single submitter. Criteria: Invitae Variant Classification Sherloc (09022015). Collection method: clinical testing. Allele origin: germline.
Comment: This sequence change replaces valine, which is neutral and non-polar, with leucine, which is neutral and non-polar, at codon 25 of the ZEB2 protein (p.Val25Leu). This variant also falls at the last nucleotide of exon 2, which is part of the consensus splice site for this exon. This variant is not present in population databases (gnomAD no frequency). This variant has not been reported in the literature in individuals affected with ZEB2-related conditions. Algorithms developed to predict the effect of missense changes on protein structure and function (SIFT, PolyPhen-2, Align-GVGD) all suggest that this variant is likely to be tolerated. Variants that disrupt the consensus splice site are a relatively common cause of aberrant splicing (PMID: 17576681, 9536098). Algorithms developed to predict the effect of sequence changes on RNA splicing suggest that this variant may disrupt the consensus splice site. In summary, the available evidence is currently insufficient to determine the role of this variant in disease. Therefore, it has been classified as a Variant of Uncertain Significance.

Literature cited by the submitters: PubMed 17576681; PubMed 9536098.

NM_014795.4(ZEB2):c.73G>C (p.Val25Leu)

Gene: ZEB2 (zinc finger E-box binding homeobox 2; minus strand). Cytogenetic location: 2q22.3.
Variant type: single nucleotide variant.
Coding change: c.73G>C on transcript NM_014795.4 (MANE Select); coding-DNA position 73, G replaced by C.
Protein change: p.Val25Leu; replaces valine 25 with leucine.
Molecular consequence: missense variant. On other transcripts: non-coding transcript variant (1).
Genome position (GRCh38, 1-based): chr2:144,517,278, C>G on the plus strand (G>C on the coding strand, the complement: ZEB2 is on the minus strand). VCF-style: chr2-144517278-C-G. GRCh37 (hg19) VCF-style: chr2-145274845-C-G.
Other names: c.73G>C, p.Val25Leu (NM_001171653.2); short protein forms V25L.
Identifiers: ClinVar variation 2812552 (VCV002812552.3), dbSNP rs2549157066, ClinGen allele CA348858294.